The following is an entry in ClinVar:

ClinVar aggregate classification (germline): Uncertain significance (1 of 4 stars; one submission).

Allele frequency attached by ClinVar (database versions not stated): TOPMed 0.00001; gnomAD 0.00005; gnomAD exomes 0.00008; ExAC 0.00027; 1000 Genomes Project 30x 0.00047; 1000 Genomes Project 0.00060.

Submission:

Labcorp Genetics (formerly Invitae), Labcorp
Classification: Uncertain significance. Last evaluated: 2025-11-27. Review status: criteria provided, single submitter. Criteria: Invitae Variant Classification Sherloc (09022015). Collection method: clinical testing. Allele origin: germline.
Comment: This sequence change replaces serine, which is neutral and polar, with asparagine, which is neutral and polar, at codon 578 of the NPAT protein (p.Ser578Asn). This variant is present in population databases (rs531991860, gnomAD 0.2%), and has an allele count higher than expected for a pathogenic variant. This variant has not been reported in the literature in individuals affected with NPAT-related conditions. ClinVar contains an entry for this variant (Variation ID: 2179464). An algorithm developed to predict the effect of missense changes on protein structure and function outputs the following: PolyPhen-2: "Benign". The asparagine amino acid residue is found in multiple mammalian species, which suggests that this missense change does not adversely affect protein function. In summary, the available evidence is currently insufficient to determine the role of this variant in disease. Therefore, it has been classified as a Variant of Uncertain Significance.

NM_002519.3(NPAT):c.1733G>A (p.Ser578Asn)

Gene: NPAT (nuclear protein, coactivator of histone transcription; minus strand). Cytogenetic location: 11q22.3.
Variant type: single nucleotide variant.
Coding change: c.1733G>A on transcript NM_002519.3 (MANE Select); coding-DNA position 1733, G replaced by A.
Protein change: p.Ser578Asn; replaces serine 578 with asparagine.
Molecular consequence: missense variant.
Genome position (GRCh38, 1-based): chr11:108,173,251, C>T on the plus strand (G>A on the coding strand, the complement: NPAT is on the minus strand). VCF-style: chr11-108173251-C-T. GRCh37 (hg19) VCF-style: chr11-108043978-C-T.
Other names: c.1733G>A, p.Ser578Asn (NM_001321307.1); short protein forms S578N.
Identifiers: ClinVar variation 2179464 (VCV002179464.4), dbSNP rs531991860, ClinGen allele CA6263947.